The following is an entry in ClinVar:

NM_003793.4(CTSF):c.179C>T (p.Ala60Val)

Gene: CTSF (cathepsin F; minus strand). Cytogenetic location: 11q13.2.
Variant type: single nucleotide variant.
Coding change: c.179C>T on transcript NM_003793.4 (MANE Select); coding-DNA position 179, C replaced by T.
Protein change: p.Ala60Val; replaces alanine 60 with valine.
Molecular consequence: missense variant.
Genome position (GRCh38, 1-based): chr11:66,568,308, G>A on the plus strand (C>T on the coding strand, the complement: CTSF is on the minus strand). VCF-style: chr11-66568308-G-A. GRCh37 (hg19) VCF-style: chr11-66335779-G-A.
Other names: short protein forms A60V.
Identifiers: ClinVar variation 1780330 (VCV001780330.2), dbSNP rs966412866, ClinGen allele CA224083346.

ClinVar aggregate classification (germline): Uncertain significance (1 of 4 stars; one submission).

Conditions:
Inborn genetic diseases. Identifiers: MedGen C0950123, MeSH D030342.

Submission:

Ambry Genetics
Classification: Uncertain significance for Inborn genetic diseases. Last evaluated: 2020-03-10. Review status: criteria provided, single submitter. Criteria: Ambry Variant Classification Scheme 2023. Collection method: clinical testing. Allele origin: germline.
Comment: The p.A60V variant (also known as c.179C>T), located in coding exon 1 of the CTSF gene, results from a C to T substitution at nucleotide position 179. The alanine at codon 60 is replaced by valine, an amino acid with similar properties. This amino acid position is highly conserved in available vertebrate species. In addition, this alteration is predicted to be tolerated by in silico analysis. Since supporting evidence is limited at this time, the clinical significance of this alteration remains unclear.